The following is an entry in ClinVar:

ClinVar aggregate classification (germline): Conflicting classifications of pathogenicity. Review status: criteria provided, conflicting classifications (1 of 4 stars). 2 submissions from 2 submitters: Uncertain significance (1); Likely benign (1). Last evaluated 2026-06-21.

gnomAD v4.1: 1 of 1,613,872 alleles (0.000062%); highest among the groups gnomAD compares: African/African-American, 0.0013%; no homozygotes.

Submissions (2):

Women's Health and Genetics/Laboratory Corporation of America, LabCorp
Classification: Likely benign. Last evaluated: 2026-06-21. Review status: criteria provided, single submitter. Criteria: LabCorp Variant Classification Summary - May 2015. Collection method: clinical testing. Allele origin: germline.

Labcorp Genetics (formerly Invitae), Labcorp
Classification: Uncertain significance. Last evaluated: 2022-07-19. Review status: criteria provided, single submitter. Criteria: Invitae Variant Classification Sherloc (09022015). Collection method: clinical testing. Allele origin: germline.
Comment: This sequence change falls in intron 26 of the COL7A1 gene. It does not directly change the encoded amino acid sequence of the COL7A1 protein. This variant is not present in population databases (gnomAD no frequency). This variant has not been reported in the literature in individuals affected with COL7A1-related conditions. ClinVar contains an entry for this variant (Variation ID: 1379083). Algorithms developed to predict the effect of sequence changes on RNA splicing suggest that this variant may create or strengthen a splice site. In summary, the available evidence is currently insufficient to determine the role of this variant in disease. Therefore, it has been classified as a Variant of Uncertain Significance.

NM_000094.4(COL7A1):c.3550+11G>A

Gene: COL7A1 (collagen type VII alpha 1 chain; minus strand). Cytogenetic location: 3p21.31.
Variant type: single nucleotide variant.
Coding change: c.3550+11G>A on transcript NM_000094.4 (MANE Select); 11 bases into the intron after coding-DNA position 3550, G replaced by A.
Molecular consequence: intron variant.
Genome position (GRCh38, 1-based): chr3:48,586,321, C>T on the plus strand (G>A on the coding strand, the complement: COL7A1 is on the minus strand). VCF-style: chr3-48586321-C-T. GRCh37 (hg19) VCF-style: chr3-48623754-C-T.
Identifiers: ClinVar variation 1379083 (VCV001379083.4), dbSNP rs2045256350, ClinGen allele CA1363087402.
Genomic context (GRCh38, chr3:48,586,321, plus strand): 5'-AGTGGCTGCATGATAGCCTTTTCAGGGCCACCCCTATTCCCAGACCCCTTCCCCATCAGC[C>T]TACTCCTTACCAGAAGCCTGGGCCTCACGGATGGGGCTGAATATGTCACCTCTCAAGGGT-3'